The following is an entry in ClinVar:

ClinVar aggregate classification (germline): Uncertain significance (1 of 4 stars; one submission).

Submission:

Ambry Genetics
Classification: Uncertain significance. Last evaluated: 2023-11-20. Review status: criteria provided, single submitter. Criteria: Ambry Variant Classification Scheme 2023. Collection method: clinical testing. Allele origin: germline.
Comment: The p.G383R variant (also known as c.1147G>C), located in coding exon 11 of the KIF1B gene, results from a G to C substitution at nucleotide position 1147. The glycine at codon 383 is replaced by arginine, an amino acid with dissimilar properties. This amino acid position is highly conserved in available vertebrate species. In addition, this alteration is predicted to be deleterious by in silico analysis. The evidence for this gene-disease relationship is limited; therefore, the clinical significance of this alteration is unclear.

NM_001365951.3(KIF1B):c.1165G>C (p.Gly389Arg)

Gene: KIF1B (kinesin family member 1B; plus strand). Cytogenetic location: 1p36.22.
Variant type: single nucleotide variant.
Coding change: c.1165G>C on transcript NM_001365951.3 (MANE Select); coding-DNA position 1165, G replaced by C.
Protein change: p.Gly389Arg; replaces glycine 389 with arginine.
Molecular consequence: missense variant.
Genome position (GRCh38, 1-based): chr1:10,278,113, G>C. VCF-style: chr1-10278113-G-C. GRCh37 (hg19) VCF-style: chr1-10338171-G-C.
Other names: c.1165G>C, p.Gly389Arg (NM_001365952.1); c.1147G>C, p.Gly383Arg (NM_001365953.1, NM_015074.3, NM_183416.4); short protein forms G383R, G389R.
Identifiers: ClinVar variation 3226339 (VCV003226339.1), dbSNP rs2521198431, ClinGen allele CA338334578.
Genomic context (GRCh38, chr1:10,278,113, plus strand): 5'-GTTCGTGAATTAAAGGAGGAGGTGACACGGCTGAAGGACCTTCTTCGTGCTCAGGGCCTG[G>C]GAGATATTATTGATAGTAAGTGAATTAAGGATCGTTACAAAATCTAATCCTTTCTTCTTC-3'
Protein context (NP_001352880.1, residues 379-399): LKDLLRAQGL[Gly389Arg]DIIDIDPLID